The following is an entry in ClinVar:

ClinVar aggregate classification (germline): Uncertain significance. Review status: criteria provided, multiple submitters, no conflicts (2 of 4 stars). 2 submissions from 2 submitters: Uncertain significance (2). Last evaluated 2026-04-01.

Conditions:
Inborn genetic diseases. Identifiers: MedGen C0950123, MeSH D030342.

gnomAD v4.1: 6 of 1,613,620 alleles (0.00037%); highest among the groups gnomAD compares: Non-Finnish European, 0.00051%; no homozygotes.

Submissions (2):

CeGaT Center for Human Genetics Tuebingen
Classification: Uncertain significance. Last evaluated: 2026-04-01. Review status: criteria provided, single submitter. Criteria: CeGaT Center For Human Genetics Tuebingen Variant Classification Criteria Version 2. Collection method: clinical testing. Allele origin: germline. Affected: yes. Observed: 1 variant allele.
Comment: NEB: PM2

Ambry Genetics
Classification: Uncertain significance for Inborn genetic diseases. Last evaluated: 2025-06-03. Review status: criteria provided, single submitter. Criteria: Ambry Variant Classification Scheme 2023. Collection method: clinical testing. Allele origin: germline.

NM_001164508.2(NEB):c.23595C>G (p.Ile7865Met)

Genes: NEB (nebulin; minus strand), RIF1 (replication timing regulatory factor 1; plus strand). Cytogenetic location: 2q23.3.
Variant type: single nucleotide variant.
Coding change: c.23595C>G on transcript NM_001164508.2 (MANE Select); coding-DNA position 23595, C replaced by G.
Protein change: p.Ile7865Met; replaces isoleucine 7865 with methionine.
Molecular consequence: missense variant.
Genome position (GRCh38, 1-based): chr2:151,506,220, G>C on the plus strand (C>G on the coding strand, the complement: NEB is on the minus strand). VCF-style: chr2-151506220-G-C. GRCh37 (hg19) VCF-style: chr2-152362734-G-C.
Other names: c.23595C>G, p.Ile7865Met (NM_001164507.2); c.23700C>G, p.Ile7900Met (NM_001271208.2); c.18492C>G, p.Ile6164Met (NM_004543.5); short protein forms I6164M, I7865M, I7900M.
Identifiers: ClinVar variation 3918530 (VCV003918530.3).